The following continues an entry in ClinVar:

NM_001048174.2(MUTYH):c.595G>A (p.Ala199Thr)

Gene: MUTYH. ClinVar aggregate classification (germline): Uncertain significance. Uncertain significance (14).

Submissions 11 to 17 of 17:

Institute for Clinical Genetics, University Hospital TU Dresden, University Hospital TU Dresden
Classification: Uncertain significance. Last evaluated: 2021-11-03. Review status: criteria provided, single submitter. Criteria: ACMG Guidelines, 2015. Collection method: clinical testing. Allele origin: germline.

Women's Health and Genetics/Laboratory Corporation of America, LabCorp
Classification: Uncertain significance. Last evaluated: 2019-10-10. Review status: criteria provided, single submitter. Criteria: LabCorp Variant Classification Summary - May 2015. Collection method: clinical testing. Allele origin: germline.
Comment: Variant summary: MUTYH c.679G>A (p.Ala227Thr) results in a non-conservative amino acid change located in the HhH-GPD domain (IPR003265) of the encoded protein sequence. Five of five in-silico tools predict a damaging effect of the variant on protein function. The variant allele was found at a frequency of 3.6e-05 in 251330 control chromosomes (gnomAD). The available data on variant occurrences in the general population are insufficient to allow any conclusion about variant significance. c.679G>A has been reported in the literature in a cohort of individuals undergoing testing for genes implicated in hereditary cancer predisposition (Tsaousis_2019)and also as a somatic variant (vandeWetering_2015). These reports do not provide unequivocal conclusions about association of the variant with MUTYH-associated Polyposis. To our knowledge, no experimental evidence demonstrating an impact on protein function has been reported. Seven ClinVar submitters (evaluation after 2014) cite the variant as uncertain significance. Based on the evidence outlined above, the variant was classified as uncertain significance.

GeneKor MSA
Classification: Uncertain significance for Hereditary cancer-predisposing syndrome. Last evaluated: 2018-08-01. Review status: criteria provided, single submitter. Criteria: ACMG Guidelines, 2015. Collection method: clinical testing. Allele origin: germline. Affected: yes.

Illumina Laboratory Services, Illumina
Classification: Uncertain significance for Familial adenomatous polyposis 2. Last evaluated: 2018-01-13. Review status: criteria provided, single submitter. Criteria: ICSL Variant Classification Criteria 13 December 2019. Collection method: clinical testing. Allele origin: germline.

Counsyl
Classification: Uncertain significance for Familial adenomatous polyposis 2. Last evaluated: 2017-08-01. Review status: no assertion criteria provided. Collection method: clinical testing. Allele origin: unknown. Not counted in ClinVar's aggregate classification.

Clinical Genetics, Academic Medical Center
Classification: Uncertain significance. Review status: no assertion criteria provided. Collection method: clinical testing. Allele origin: germline. Affected: yes. Study: VKGL Data-share Consensus. Not counted in ClinVar's aggregate classification.

Joint Genome Diagnostic Labs from Nijmegen and Maastricht, Radboudumc and MUMC+
Classification: Uncertain significance. Review status: no assertion criteria provided. Collection method: clinical testing. Allele origin: germline. Affected: yes. Study: VKGL Data-share Consensus. Not counted in ClinVar's aggregate classification.

Literature cited by the submitters: PubMed 26689913 (cited by 5 submitters); PubMed 31159747 (cited by 6 submitters); PubMed 31465090 (cited by 4 submitters); PubMed 36035419 (cited by Color Diagnostics, LLC DBA Color Health and All of Us Research Program, National Institutes of Health); PubMed 33471991 (cited by Quest Diagnostics Nichols Institute San Juan Capistrano and Sema4); PubMed 36243179 (cited by Quest Diagnostics Nichols Institute San Juan Capistrano); PubMed 25957691 (cited by Women's Health and Genetics/Laboratory Corporation of America, LabCorp).